The following is an entry in ClinVar:

ClinVar aggregate classification (germline): Pathogenic/Likely pathogenic. Review status: criteria provided, multiple submitters, no conflicts (2 of 4 stars). 3 submissions from 3 submitters: Pathogenic (1); Likely pathogenic (2). Last evaluated 2025-02-20.

Conditions:
Megalencephalic leukoencephalopathy with subcortical cysts. Also called: VAN DER KNAAP DISEASE. Identifiers: Orphanet 2478, MedGen C1858854, MONDO:0011391.
Megalencephalic leukoencephalopathy with subcortical cysts 1 (MLC1). Also called: VACUOLATING MEGALENCEPHALIC LEUKOENCEPHALOPATHY WITH SUBCORTICAL CYSTS; LEUKOENCEPHALOPATHY WITH SWELLING AND CYSTS. Identifiers: Orphanet 2478, MedGen C5779875, MONDO:0024555, OMIM 604004.

Allele frequency attached by ClinVar (database versions not stated): gnomAD exomes below 0.00001.
gnomAD v4.1: 1 of 1,613,714 alleles (0.000062%); highest among the groups gnomAD compares: Non-Finnish European, 0.000085%; no homozygotes.

Submissions (3):

Labcorp Genetics (formerly Invitae), Labcorp
Classification: Likely pathogenic. Last evaluated: 2025-02-20. Review status: criteria provided, single submitter. Criteria: Invitae Variant Classification Sherloc (09022015). Collection method: clinical testing. Allele origin: germline.
Comment: This sequence change affects a donor splice site in intron 7 of the MLC1 gene. It is expected to disrupt RNA splicing. Variants that disrupt the donor or acceptor splice site typically lead to a loss of protein function (PMID: 16199547), and loss-of-function variants in MLC1 are known to be pathogenic (PMID: 11254442, 16470554, 24824219). This variant is present in population databases (no rsID available, gnomAD 0.0009%). Disruption of this splice site has been observed in individual(s) with megalencephalic leukoencephalopathy with subcortical cysts (PMID: 18821826). ClinVar contains an entry for this variant (Variation ID: 2138459). Algorithms developed to predict the effect of sequence changes on RNA splicing suggest that this variant may disrupt the consensus splice site. In summary, the currently available evidence indicates that the variant is pathogenic, but additional data are needed to prove that conclusively. Therefore, this variant has been classified as Likely Pathogenic.

Natera, Inc.
Classification: Likely pathogenic for Megalencephalic leukoencephalopathy with subcortical cysts. Last evaluated: 2024-12-19. Review status: criteria provided, single submitter. Criteria: Natera Variant Classification Schema (03/2026). Collection method: clinical testing. Allele origin: germline.
Comment: The c.597+1G>A variant in MLC1 is a canonical splice donor site variant predicted to affect pre-mRNA splicing, which may result in an abnormal transcript and altered protein product. This variant may result in a truncated or dysfunctional protein product. This variant is rare in the general population with a frequency below the threshold expected for the associated phenotype(s). This variant has been observed in one or more individuals affected with the associated recessive disease, as either homozygous or compound heterozygous with a second variant (PMID: 18821826, 17628813). Given the available evidence, this variant is classified as Likely Pathogenic.

Baylor Genetics
Classification: Pathogenic for Megalencephalic leukoencephalopathy with subcortical cysts 1. Last evaluated: 2024-01-13. Review status: criteria provided, single submitter. Criteria: ACMG Guidelines, 2015. Collection method: clinical testing. Allele origin: unknown.

Literature cited by the submitters: PubMed 16199547 (cited by Labcorp Genetics (formerly Invitae), Labcorp); PubMed 11254442 (cited by Labcorp Genetics (formerly Invitae), Labcorp); PubMed 16470554 (cited by Labcorp Genetics (formerly Invitae), Labcorp); PubMed 24824219 (cited by Labcorp Genetics (formerly Invitae), Labcorp); PubMed 18821826 (cited by Labcorp Genetics (formerly Invitae), Labcorp and Natera, Inc.); PubMed 17628813 (cited by Natera, Inc.).

NM_015166.4(MLC1):c.597+1G>A

Gene: MLC1 (modulator of VRAC current 1; minus strand). Cytogenetic location: 22q13.33.
Variant type: single nucleotide variant.
Coding change: c.597+1G>A on transcript NM_015166.4 (MANE Select); the canonical splice donor site of the intron after coding-DNA position 597, G replaced by A.
Molecular consequence: splice donor variant.
Genome position (GRCh38, 1-based): chr22:50,076,840, C>T on the plus strand (G>A on the coding strand, the complement: MLC1 is on the minus strand). VCF-style: chr22-50076840-C-T. GRCh37 (hg19) VCF-style: chr22-50515269-C-T.
Other names: c.597+1G>A (NM_001376474.1, NM_001376475.1, NM_001376476.1 and 7 more transcripts); c.360+1G>A (NM_001376484.1); c.507+1G>A (NM_001376480.1); c.441+1G>A (NM_001376482.1, NM_001376483.1); c.495+1G>A (NM_001376481.1).
Identifiers: ClinVar variation 2138459 (VCV002138459.7), dbSNP rs1569248367, ClinGen allele CA412109428.